The following is an entry in ClinVar:

NM_003922.4(HERC1):c.11251C>T (p.Arg3751Trp)

Gene: HERC1 (HECT and RLD domain containing E3 ubiquitin protein ligase family member 1; minus strand). Cytogenetic location: 15q22.31.
Variant type: single nucleotide variant.
Coding change: c.11251C>T on transcript NM_003922.4 (MANE Select); coding-DNA position 11251, C replaced by T.
Protein change: p.Arg3751Trp; replaces arginine 3751 with tryptophan.
Molecular consequence: missense variant.
Genome position (GRCh38, 1-based): chr15:63,643,484, G>A on the plus strand (C>T on the coding strand, the complement: HERC1 is on the minus strand). VCF-style: chr15-63643484-G-A. GRCh37 (hg19) VCF-style: chr15-63935683-G-A.
Other names: short protein forms R3751W.
Identifiers: ClinVar variation 3365969 (VCV003365969.2).
Genomic context (GRCh38, chr15:63,643,484, plus strand): 5'-TGAGCCCACCTAGTCCACCAGACACCAGGGCCAACCCATCAGAACTAAAGGCAACAGTCC[G>A]AACAGGAGTGATGTGTCCCCGCAGCTGATAAACACACTTGGCTCCTGATGATTTCCTATA-3'
Protein context (NP_003913.3, residues 3741-3761): YQLRGHITPV[Arg3751Trp]TVAFSSDGLA

ClinVar aggregate classification (germline): Uncertain significance. Review status: criteria provided, multiple submitters, no conflicts (2 of 4 stars). 2 submissions from 2 submitters: Uncertain significance (2). Last evaluated 2025-04-04.

Conditions:
Inborn genetic diseases. Identifiers: MedGen C0950123, MeSH D030342.

gnomAD v4.1: 24 of 1,611,702 alleles (0.0015%); highest among the groups gnomAD compares: South Asian, 0.0066%; no homozygotes.

Submissions (2):

Ambry Genetics
Classification: Uncertain significance for Inborn genetic diseases. Last evaluated: 2025-04-04. Review status: criteria provided, single submitter. Criteria: Ambry Variant Classification Scheme 2023. Collection method: clinical testing. Allele origin: germline.

GeneDx
Classification: Uncertain significance. Last evaluated: 2023-12-19. Review status: criteria provided, single submitter. Criteria: GeneDx Variant Classification Process June 2021. Collection method: clinical testing. Allele origin: germline. Affected: yes.
Comment: Not observed at significant frequency in large population cohorts (gnomAD); In silico analysis supports that this missense variant has a deleterious effect on protein structure/function; Has not been previously published as pathogenic or benign to our knowledge